The following is an entry in ClinVar:

NM_024426.6(WT1):c.992T>C (p.Val331Ala)

Gene: WT1 (WT1 transcription factor; minus strand). Cytogenetic location: 11p13.
Variant type: single nucleotide variant.
Coding change: c.992T>C on transcript NM_024426.6 (MANE Select); coding-DNA position 992, T replaced by C.
Protein change: p.Val331Ala; replaces valine 331 with alanine.
Molecular consequence: missense variant. On other transcripts: non-coding transcript variant (1), intron variant (6).
Genome position (GRCh38, 1-based): chr11:32,416,514, A>G on the plus strand (T>C on the coding strand, the complement: WT1 is on the minus strand). VCF-style: chr11-32416514-A-G. GRCh37 (hg19) VCF-style: chr11-32438060-A-G.
Other names: c.341T>C, p.Val114Ala (NM_001198551.2); c.992T>C, p.Val331Ala (NM_001407044.1, NM_001407046.1, NM_024424.5); c.869T>C, p.Val290Ala (NM_001407047.1); c.230T>C, p.Val77Ala (NM_001407051.1); c.842+1063T>C (NM_001407050.1); c.965+1063T>C (NM_001407048.1, NM_001407049.1, NM_000378.6 and 1 more transcripts); c.314+1063T>C (NM_001198552.2); short protein forms V114A, V290A, V326A, V331A, V77A.
Identifiers: ClinVar variation 2679627 (VCV002679627.4), dbSNP rs1452844956, ClinGen allele CA379961775.

ClinVar aggregate classification (germline): Uncertain significance. Review status: criteria provided, multiple submitters, no conflicts (2 of 4 stars). 2 submissions from 2 submitters: Uncertain significance (2). Last evaluated 2023-11-15.

Conditions:
Wilms tumor 1 (WT1). Also called: Wilms tumor, somatic. Identifiers: Orphanet 654, MedGen CN033288, MONDO:0008679, OMIM 194070.
Drash syndrome (DDS). Also called: NEPHROPATHY, WILMS TUMOR, AND GENITAL ANOMALIES; WILMS TUMOR AND PSEUDO- OR TRUE HERMAPHRODITISM. Identifiers: Orphanet 220, MedGen C0950121, MONDO:0008682, OMIM 194080.
11p partial monosomy syndrome (WAGR). Also called: WAGR syndrome; WAGR Complex; WAGR Spectrum Disorder; CHROMOSOME 11p13 DELETION SYNDROME. Identifiers: Orphanet 893, MedGen C0206115, MONDO:0008681, OMIM 194072.
Frasier syndrome. Identifiers: Orphanet 347, MedGen C0950122, MeSH D052159, MONDO:0007635, OMIM 136680.

Allele frequency attached by ClinVar (database versions not stated): gnomAD 0.00001.
gnomAD v4.1: 1 of 1,613,896 alleles (0.000062%); highest among the groups gnomAD compares: Non-Finnish European, 0.000085%; no homozygotes.

Submissions (2):

Labcorp Genetics (formerly Invitae), Labcorp
Classification: Uncertain significance for Wilms tumor 1; Drash syndrome; 11p partial monosomy syndrome; Frasier syndrome. Last evaluated: 2023-11-15. Review status: criteria provided, single submitter. Criteria: Invitae Variant Classification Sherloc (09022015). Collection method: clinical testing. Allele origin: germline.
Comment: This sequence change replaces valine, which is neutral and non-polar, with alanine, which is neutral and non-polar, at codon 326 of the WT1 protein (p.Val326Ala). This variant is present in population databases (no rsID available, gnomAD 0.007%). This variant has not been reported in the literature in individuals affected with WT1-related conditions. An algorithm developed to predict the effect of missense changes on protein structure and function (PolyPhen-2) suggests that this variant is likely to be tolerated. In summary, the available evidence is currently insufficient to determine the role of this variant in disease. Therefore, it has been classified as a Variant of Uncertain Significance.

Baylor Genetics
Classification: Uncertain significance for Drash syndrome. Last evaluated: 2023-09-01. Review status: criteria provided, single submitter. Criteria: ACMG Guidelines, 2015. Collection method: clinical testing. Allele origin: unknown.